The following is an entry in ClinVar:

ClinVar aggregate classification (germline): Uncertain significance. Review status: criteria provided, multiple submitters, no conflicts (2 of 4 stars). 2 submissions from 2 submitters: Uncertain significance (2). Last evaluated 2025-08-27.

Conditions:
Inborn genetic diseases. Identifiers: MedGen C0950123, MeSH D030342.
Tay-Sachs disease (TSD). Also called: HEXA DEFICIENCY; GM2 gangliosidosis, type 1; Hexosaminidase alpha-subunit deficiency (variant B); Sphingolipidosis, Tay-Sachs; HEXA Disorders; Hexosaminidase A Deficiency. Identifiers: Orphanet 845, MedGen C0039373, MONDO:0010100, OMIM 272800.

gnomAD v4.1: 21 of 1,598,520 alleles (0.0013%); highest among the groups gnomAD compares: Non-Finnish European, 0.0017%; no homozygotes.

Submissions (2):

Ambry Genetics
Classification: Uncertain significance for Inborn genetic diseases. Last evaluated: 2025-08-27. Review status: criteria provided, single submitter. Criteria: Ambry Variant Classification Scheme 2023. Collection method: clinical testing. Allele origin: germline.

Labcorp Genetics (formerly Invitae), Labcorp
Classification: Uncertain significance for Tay-Sachs disease. Last evaluated: 2025-06-05. Review status: criteria provided, single submitter. Criteria: Invitae Variant Classification Sherloc (09022015). Collection method: clinical testing. Allele origin: germline.
Comment: This sequence change replaces methionine, which is neutral and non-polar, with valine, which is neutral and non-polar, at codon 222 of the HEXA protein (p.Met222Val). This variant is present in population databases (rs768751360, gnomAD 0.007%). This variant has not been reported in the literature in individuals affected with HEXA-related conditions. ClinVar contains an entry for this variant (Variation ID: 1415280). Invitae Evidence Modeling of protein sequence and biophysical properties (such as structural, functional, and spatial information, amino acid conservation, physicochemical variation, residue mobility, and thermodynamic stability) indicates that this missense variant is expected to disrupt HEXA protein function with a positive predictive value of 95%. In summary, the available evidence is currently insufficient to determine the role of this variant in disease. Therefore, it has been classified as a Variant of Uncertain Significance.

NM_000520.6(HEXA):c.664A>G (p.Met222Val)

Gene: HEXA (hexosaminidase subunit alpha; minus strand). Cytogenetic location: 15q23.
Variant type: single nucleotide variant.
Coding change: c.664A>G on transcript NM_000520.6 (MANE Select); coding-DNA position 664, A replaced by G.
Protein change: p.Met222Val; replaces methionine 222 with valine.
Molecular consequence: missense variant. On other transcripts: non-coding transcript variant (1).
Genome position (GRCh38, 1-based): chr15:72,351,141, T>C on the plus strand (A>G on the coding strand, the complement: HEXA is on the minus strand). VCF-style: chr15-72351141-T-C. GRCh37 (hg19) VCF-style: chr15-72643482-T-C.
Other names: c.664A>G (NM_000520.4); c.697A>G, p.Met233Val (NM_001318825.2); short protein forms M222V, M233V.
Identifiers: ClinVar variation 1415280 (VCV001415280.7), dbSNP rs768751360, ClinGen allele CA7644935.
Genomic context (GRCh38, chr15:72,351,141, plus strand): 5'-CCAGATTCAGACATTGACCCATAAACTTGGTCTGAGTGAAACGGGAACATACCTTTCTCA[T>C]GAGCTCTGGAAAAGTGAAGCTCTCATATGGGAAGGAAGGATCATCTACCAGATGCCAGTG-3'
Protein context (NP_000511.2, residues 212-232): PYESFTFPEL[Met222Val]RKGSYNPVTH